The following is an entry in ClinVar:

NM_001875.5(CPS1):c.3069C>G (p.Asp1023Glu)

Gene: CPS1 (carbamoyl-phosphate synthase 1; plus strand). Cytogenetic location: 2q34.
Variant type: single nucleotide variant.
Coding change: c.3069C>G on transcript NM_001875.5 (MANE Select); coding-DNA position 3069, C replaced by G.
Protein change: p.Asp1023Glu; replaces aspartic acid 1023 with glutamic acid.
Molecular consequence: missense variant. On other transcripts: non-coding transcript variant (2).
Genome position (GRCh38, 1-based): chr2:210,642,593, C>G. VCF-style: chr2-210642593-C-G. GRCh37 (hg19) VCF-style: chr2-211507317-C-G.
Other names: c.3069C>G (LRG_336t1); c.3069C>G, p.Asp1023Glu (NM_001122633.3, NM_001369257.1); c.3102C>G, p.Asp1034Glu (NM_001369256.1); short protein forms D1023E, D1034E.
Identifiers: ClinVar variation 583259 (VCV000583259.6), dbSNP rs1559123272, ClinGen allele CA350434204.

ClinVar aggregate classification (germline): Uncertain significance (1 of 4 stars; one submission).

Conditions:
Congenital hyperammonemia, type I. Also called: Carbamoyl-phosphate synthase I deficiency; Carbamoyl phosphate synthetase 1 deficiency; Hyperammonemia due to carbamoyl phosphate synthetase 1 deficiency; CPS 1 deficiency; Carbamyl phosphate synthetase (CPS) deficiency; Carbamoyl phosphate synthetase I deficiency disease. Identifiers: Orphanet 147, MedGen C4082171, MONDO:0009376, OMIM 237300.

Submission:

Labcorp Genetics (formerly Invitae), Labcorp
Classification: Uncertain significance for Congenital hyperammonemia, type I. Last evaluated: 2021-08-26. Review status: criteria provided, single submitter. Criteria: Invitae Variant Classification Sherloc (09022015). Collection method: clinical testing. Allele origin: germline.
Comment: This sequence change replaces aspartic acid with glutamic acid at codon 1023 of the CPS1 protein (p.Asp1023Glu). The aspartic acid residue is highly conserved and there is a small physicochemical difference between aspartic acid and glutamic acid. This variant is not present in population databases (ExAC no frequency). This variant has not been reported in the literature in individuals affected with CPS1-related conditions. Algorithms developed to predict the effect of missense changes on protein structure and function are either unavailable or do not agree on the potential impact of this missense change (SIFT: "Deleterious"; PolyPhen-2: "Probably Damaging"; Align-GVGD: "Class C0"). In summary, the available evidence is currently insufficient to determine the role of this variant in disease. Therefore, it has been classified as a Variant of Uncertain Significance.